The following is an entry in ClinVar:

NM_022356.4(P3H1):c.2099del (p.Pro700fs)

Gene: P3H1 (prolyl 3-hydroxylase 1; minus strand). Cytogenetic location: 1p34.2.
Variant type: Deletion.
Coding change: c.2099del on transcript NM_022356.4 (MANE Select); coding-DNA position 2099, one base deleted (C; older notation c.2099delC).
Protein change: p.Pro700fs; shifts the reading frame from proline 700.
Molecular consequence: frameshift variant. On other transcripts: 3 prime UTR variant (2).
Genome position (GRCh38, 1-based): chr1:42,746,809, G deleted on the plus strand (C on the coding strand, the reverse complement: P3H1 is on the minus strand); the first of 3 consecutive G bases (chr1:42,746,809-42,746,811); deleting any one gives the same sequence. VCF-style (leftmost placement, unchanged base first): chr1-42746808-TG-T. GRCh37 (hg19) VCF-style: chr1-43212479-TG-T.
Other names: c.*24del (NM_001146289.2); c.*103del (NM_001243246.2); short protein forms P700fs.
Identifiers: ClinVar variation 2818397 (VCV002818397.3), dbSNP rs2524395082, ClinGen allele CA2645173893.

ClinVar aggregate classification (germline): Pathogenic (1 of 4 stars; one submission).

Conditions:
Osteogenesis imperfecta type 8 (OI8). Identifiers: MedGen C1970458, MONDO:0012581, OMIM 610915.

Submission:

Labcorp Genetics (formerly Invitae), Labcorp
Classification: Pathogenic for Osteogenesis imperfecta type 8. Last evaluated: 2022-12-29. Review status: criteria provided, single submitter. Criteria: Invitae Variant Classification Sherloc (09022015). Collection method: clinical testing. Allele origin: germline.
Comment: For these reasons, this variant has been classified as Pathogenic. This variant disrupts a region of the P3H1 protein in which other variant(s) (p.Glu719Argfs*11) have been determined to be pathogenic (PMID: 22615817; Invitae). This suggests that this is a clinically significant region of the protein, and that variants that disrupt it are likely to be disease-causing. This variant has not been reported in the literature in individuals affected with P3H1-related conditions. This variant is not present in population databases (gnomAD no frequency). This sequence change results in a frameshift in the P3H1 gene (p.Pro700Glnfs*48). While this is not anticipated to result in nonsense mediated decay, it is expected to disrupt the last 37 amino acid(s) of the P3H1 protein and extend the protein by 10 additional amino acid residues.

Literature cited by the submitters: PubMed 22615817.